The following is an entry in ClinVar:

ClinVar aggregate classification (germline): Uncertain significance (1 of 4 stars; one submission).

Conditions:
Anauxetic dysplasia. Identifiers: Orphanet 93347, MedGen C1846796, MONDO:0011773.

Submission:

Labcorp Genetics (formerly Invitae), Labcorp
Classification: Uncertain significance for Anauxetic dysplasia. Last evaluated: 2024-01-07. Review status: criteria provided, single submitter. Criteria: Invitae Variant Classification Sherloc (09022015). Collection method: clinical testing. Allele origin: germline.
Comment: This variant occurs in the RMRP gene, which encodes an RNA molecule that does not result in a protein product. This variant is not present in population databases (gnomAD no frequency). This variant has not been reported in the literature in individuals affected with RMRP-related conditions. Experimental studies and prediction algorithms are not available or were not evaluated, and the functional significance of this variant is currently unknown. In summary, the available evidence is currently insufficient to determine the role of this variant in disease. Therefore, it has been classified as a Variant of Uncertain Significance.

NC_000009.12:g.35657678G>T

Gene: RMRP (RNA component of mitochondrial RNA processing endoribonuclease; minus strand). Cytogenetic location: 9p13.3.
Variant type: single nucleotide variant.
Genome position: GRCh38 VCF-style: chr9-35657678-G-T. GRCh37 (hg19) VCF-style: chr9-35657675-G-T.
Identifiers: ClinVar variation 2871173 (VCV002871173.3), dbSNP rs1823592489, ClinGen allele CA2739269233.